The following is an entry in ClinVar:

ClinVar aggregate classification (germline): Uncertain significance (1 of 4 stars; one submission).

Allele frequency attached by ClinVar (database versions not stated): TOPMed 0.00001.

Submission:

Labcorp Genetics (formerly Invitae), Labcorp
Classification: Uncertain significance. Last evaluated: 2021-12-15. Review status: criteria provided, single submitter. Criteria: Invitae Variant Classification Sherloc (09022015). Collection method: clinical testing. Allele origin: germline.
Comment: In summary, the available evidence is currently insufficient to determine the role of this variant in disease. Therefore, it has been classified as a Variant of Uncertain Significance. Variants that disrupt the consensus splice site are a relatively common cause of aberrant splicing (PMID: 17576681, 9536098). Algorithms developed to predict the effect of sequence changes on RNA splicing suggest that this variant may disrupt the consensus splice site. This variant has not been reported in the literature in individuals affected with LOXL3-related conditions. This variant is not present in population databases (gnomAD no frequency). This sequence change falls in intron 13 of the LOXL3 gene. It does not directly change the encoded amino acid sequence of the LOXL3 protein. It affects a nucleotide within the consensus splice site.

Literature cited by the submitters: PubMed 17576681; PubMed 9536098.

NM_032603.5(LOXL3):c.2188+1G>A

Gene: LOXL3 (lysyl oxidase like 3; minus strand). Cytogenetic location: 2p13.1.
Variant type: single nucleotide variant.
Coding change: c.2188+1G>A on transcript NM_032603.5 (MANE Select); the canonical splice donor site of the intron after coding-DNA position 2188, G replaced by A.
Molecular consequence: splice donor variant.
Genome position (GRCh38, 1-based): chr2:74,533,881, C>T on the plus strand (G>A on the coding strand, the complement: LOXL3 is on the minus strand). VCF-style: chr2-74533881-C-T. GRCh37 (hg19) VCF-style: chr2-74761008-C-T.
Other names: c.1753+1G>A (NM_001289164.3); c.1105+1G>A (NM_001289165.2).
Identifiers: ClinVar variation 2043905 (VCV002043905.4), dbSNP rs1573001572, ClinGen allele CA347383958.